The following is an entry in ClinVar:

ClinVar aggregate classification (germline): Uncertain significance. Review status: criteria provided, single submitter (1 of 4 stars). 2 submissions from 2 submitters: Uncertain significance (1). 1 of the submissions does not count toward it. Last evaluated 2024-10-21.

Conditions:
Keratoconus 1 (KTCN1). Identifiers: MedGen C1835677, MONDO:0007851, OMIM 148300.

Allele frequency attached by ClinVar (database versions not stated): gnomAD exomes below 0.00001 and 0.00001.
gnomAD v4.1: 1 of 1,550,524 alleles (0.000064%); highest among the groups gnomAD compares: East Asian, 0.0024%; no homozygotes.

Submissions (2):

Women's Health and Genetics/Laboratory Corporation of America, LabCorp
Classification: Uncertain significance. Last evaluated: 2024-10-21. Review status: criteria provided, single submitter. Criteria: LabCorp Variant Classification Summary - May 2015. Collection method: clinical testing. Allele origin: germline.
Comment: Variant summary: ZNF469 c.11699C>T (p.Pro3900Leu) results in a non-conservative amino acid change in the encoded protein sequence. Two of four in-silico tools predict a benign effect of the variant on protein function. The variant allele was found at a frequency of 6.5e-06 in 153618 control chromosomes (gnomAD). The available data on variant occurrences in the general population are insufficient to allow any conclusion about variant significance. c.11699C>T has been reported in the literature in individuals affected with Keratoconus or corneal dystrophy without strong evidence of causality (Lechner_2014, Li_2021). These reports do not provide unequivocal conclusions about association of the variant with Brittle Cornea Syndrome 1. To our knowledge, no experimental evidence demonstrating an impact on protein function has been reported. The following publications have been ascertained in the context of this evaluation (PMID: 24895405, 33816482). ClinVar contains an entry for this variant (Variation ID: 126919). Based on the evidence outlined above, the variant was classified as uncertain significance.

Willoughby Group, Queen's University Belfast
Classification: Pathogenic for Keratoconus 1. Review status: no assertion criteria provided. Collection method: not provided. Allele origin: germline. Not counted in ClinVar's aggregate classification.
ClinVar note: Converted during submission from pathogenic to Pathogenic.

Literature cited by the submitters: PubMed 24895405 (cited by Women's Health and Genetics/Laboratory Corporation of America, LabCorp); PubMed 33816482 (cited by Women's Health and Genetics/Laboratory Corporation of America, LabCorp).

NM_001367624.2(ZNF469):c.11699C>T (p.Pro3900Leu)

Gene: ZNF469 (zinc finger protein 469; plus strand). Cytogenetic location: 16q24.2.
Variant type: single nucleotide variant.
Coding change: c.11699C>T on transcript NM_001367624.2 (MANE Select); coding-DNA position 11699, C replaced by T.
Protein change: p.Pro3900Leu; replaces proline 3900 with leucine.
Molecular consequence: missense variant.
Genome position (GRCh38, 1-based): chr16:88,439,169, C>T. VCF-style: chr16-88439169-C-T. GRCh37 (hg19) VCF-style: chr16-88505577-C-T.
Other names: short protein forms P3900L.
Identifiers: ClinVar variation 126919 (VCV000126919.3), dbSNP rs273585630, ClinGen allele CA151277.